The following is an entry in ClinVar:

NM_000359.3(TGM1):c.1421_1422del (p.Pro474fs)

Gene: TGM1 (transglutaminase 1; minus strand). Cytogenetic location: 14q12.
Variant type: Deletion.
Coding change: c.1421_1422del on transcript NM_000359.3 (MANE Select); coding-DNA positions 1421 to 1422, 2 bases deleted (CC; older notation c.1421_1422delCC).
Protein change: p.Pro474fs; shifts the reading frame from proline 474.
Molecular consequence: frameshift variant.
Genome position (GRCh38, 1-based): chr14:24,256,058-24,256,059, GG deleted on the plus strand (CC on the coding strand, the reverse complement: TGM1 is on the minus strand); deleting any 2 consecutive bases within chr14:24,256,058-24,256,061 gives the same sequence; the c. name uses the placement nearest the transcript's 3' end. VCF-style (leftmost placement, unchanged base first): chr14-24256057-AGG-A. GRCh37 (hg19) VCF-style: chr14-24725263-AGG-A.
Other names: short protein forms P474fs.
Identifiers: ClinVar variation 5014510 (VCV005014510.1).

ClinVar aggregate classification (germline): Pathogenic (1 of 4 stars; one submission).

Conditions:
Autosomal recessive congenital ichthyosis 1 (LI1). Also called: COLLODION FETUS; DESQUAMATION OF NEWBORN; ICHTHYOSIS CONGENITA; ICHTHYOSIS CONGENITA II; LAMELLAR EXFOLIATION OF NEWBORN; ICHTHYOSIS, CONGENITAL, AUTOSOMAL RECESSIVE 1, WITH BATHING SUIT DISTRIBUTION. Identifiers: MedGen C4551630, MONDO:0009441, OMIM 242300.

Submission:

Myriad Genetics, Inc.
Classification: Pathogenic for Autosomal recessive congenital ichthyosis 1. Last evaluated: 2025-05-24. Review status: criteria provided, single submitter. Criteria: Myriad Autosomal Dominant, Autosomal Recessive and X-Linked Classification Criteria (2023). Collection method: clinical testing. Allele origin: unknown.
Comment: NM_000359.2(TGM1):c.1421_1422delCC(P474Lfs*23) is expected to be pathogenic in the context of TGM1-related autosomal recessive congenital ichthyosis. This variant is predicted to lead to an abnormal or absent protein product due to the creation of a premature termination codon in TGM1, a gene where loss-of-function variants are known to be pathogenic. Please note: this variant was assessed in the context of healthy population screening.